The following is an entry in ClinVar:

NM_003901.4(SGPL1):c.909G>A (p.Lys303=)

Gene: SGPL1 (sphingosine-1-phosphate lyase 1; plus strand). Cytogenetic location: 10q22.1.
Variant type: single nucleotide variant.
Coding change: c.909G>A on transcript NM_003901.4 (MANE Select); coding-DNA position 909, G replaced by A.
Protein change: p.Lys303=; no amino-acid change (lysine 303 retained).
Molecular consequence: synonymous variant.
Genome position (GRCh38, 1-based): chr10:70,871,146, G>A. VCF-style: chr10-70871146-G-A. GRCh37 (hg19) VCF-style: chr10-72630903-G-A.
Identifiers: ClinVar variation 1920763 (VCV001920763.5), dbSNP rs1846288311, ClinGen allele CA470051707.

ClinVar aggregate classification (germline): Uncertain significance (1 of 4 stars; one submission).

Allele frequency attached by ClinVar (database versions not stated): TOPMed below 0.00001.

Submission:

Labcorp Genetics (formerly Invitae), Labcorp
Classification: Uncertain significance. Last evaluated: 2022-09-27. Review status: criteria provided, single submitter. Criteria: Invitae Variant Classification Sherloc (09022015). Collection method: clinical testing. Allele origin: germline.
Comment: In summary, the available evidence is currently insufficient to determine the role of this variant in disease. Therefore, it has been classified as a Variant of Uncertain Significance. Variants that disrupt the consensus splice site are a relatively common cause of aberrant splicing (PMID: 17576681, 9536098). Algorithms developed to predict the effect of sequence changes on RNA splicing suggest that this variant may disrupt the consensus splice site. This variant has not been reported in the literature in individuals affected with SGPL1-related conditions. This variant is not present in population databases (gnomAD no frequency). This sequence change affects codon 303 of the SGPL1 mRNA. It is a 'silent' change, meaning that it does not change the encoded amino acid sequence of the SGPL1 protein. This variant also falls at the last nucleotide of exon 10, which is part of the consensus splice site for this exon.

Literature cited by the submitters: PubMed 17576681; PubMed 9536098.